The following is an entry in ClinVar:

NM_001943.5(DSG2):c.850_851delinsGAT (p.Asn284fs)

Gene: DSG2 (desmoglein 2; plus strand). Cytogenetic location: 18q12.1.
Variant type: Indel.
Coding change: c.850_851delinsGAT on transcript NM_001943.5 (MANE Select); coding-DNA positions 850 to 851, AA replaced by GAT.
Protein change: p.Asn284fs; shifts the reading frame from asparagine 284.
Molecular consequence: frameshift variant.
Genome position (GRCh38, 1-based): chr18:31,524,724-31,524,725, AA replaced by GAT. VCF-style: chr18-31524724-AA-GAT. GRCh37 (hg19) VCF-style: chr18-29104687-AA-GAT.
Other names: short protein forms N284fs.
Identifiers: ClinVar variation 3382449 (VCV003382449.3).

ClinVar aggregate classification (germline): Likely pathogenic (1 of 4 stars; one submission).

Conditions:
Arrhythmogenic right ventricular dysplasia 10. Also called: ARRHYTHMOGENIC RIGHT VENTRICULAR DYSPLASIA, FAMILIAL, 10; Arrhythmogenic Right Ventricular Dysplasia/Cardiomyopathy10; Arrhythmogenic right ventricular dysplasia/cardiomyopathy, type 10. Identifiers: MedGen C1857777, MONDO:0012434, OMIM 610193.

Submission:

Juno Genomics, Hangzhou Juno Genomics, Inc
Classification: Likely pathogenic for Arrhythmogenic right ventricular dysplasia 10. Review status: criteria provided, single submitter. Criteria: ACMG Guidelines, 2015. Collection method: clinical testing. Allele origin: germline.
Comment: Absent from controls (or at extremely low frequency if recessive) in Genome Aggregation Database.;Null variant in a gene where loss of function (LOF) is a known mechanism of disease.